The following is an entry in ClinVar:

ClinVar aggregate classification (germline): Uncertain significance. Review status: criteria provided, multiple submitters, no conflicts (2 of 4 stars). 2 submissions from 2 submitters: Uncertain significance (2). Last evaluated 2023-02-28.

Conditions:
Inborn genetic diseases. Identifiers: MedGen C0950123, MeSH D030342.

Allele frequency attached by ClinVar (database versions not stated): gnomAD 0.00005 and 0.00006; TOPMed 0.00005; gnomAD exomes 0.00002 and 0.00010; ExAC 0.00008.
gnomAD v4.1: 38 of 1,606,648 alleles (0.0024%); highest among the groups gnomAD compares: East Asian, 0.076%; 1 homozygote.

Submissions (2):

Ambry Genetics
Classification: Uncertain significance for Inborn genetic diseases. Last evaluated: 2023-02-28. Review status: criteria provided, single submitter. Criteria: Ambry Variant Classification Scheme 2023. Collection method: clinical testing. Allele origin: germline.

Labcorp Genetics (formerly Invitae), Labcorp
Classification: Uncertain significance. Last evaluated: 2022-07-25. Review status: criteria provided, single submitter. Criteria: Invitae Variant Classification Sherloc (09022015). Collection method: clinical testing. Allele origin: germline.
Comment: In summary, the available evidence is currently insufficient to determine the role of this variant in disease. Therefore, it has been classified as a Variant of Uncertain Significance. Algorithms developed to predict the effect of missense changes on protein structure and function are either unavailable or do not agree on the potential impact of this missense change (SIFT: "Deleterious"; PolyPhen-2: "Probably Damaging"; Align-GVGD: "Class C0"). ClinVar contains an entry for this variant (Variation ID: 1381276). This variant has not been reported in the literature in individuals affected with CKAP2L-related conditions. This variant is present in population databases (rs753333699, gnomAD 0.1%), including at least one homozygous and/or hemizygous individual. This sequence change replaces proline, which is neutral and non-polar, with serine, which is neutral and polar, at codon 670 of the CKAP2L protein (p.Pro670Ser).

NM_152515.5(CKAP2L):c.2008C>T (p.Pro670Ser)

Genes: CKAP2L (cytoskeleton associated protein 2L; minus strand), NT5DC4 (5'-nucleotidase domain containing 4; plus strand). Cytogenetic location: 2q14.1.
Variant type: single nucleotide variant.
Coding change: c.2008C>T on transcript NM_152515.5 (MANE Select); coding-DNA position 2008, C replaced by T.
Protein change: p.Pro670Ser; replaces proline 670 with serine.
Molecular consequence: missense variant. On other transcripts: non-coding transcript variant (1), intron variant (1).
Genome position (GRCh38, 1-based): chr2:112,740,822, G>A on the plus strand (C>T on the coding strand, the complement: CKAP2L is on the minus strand). VCF-style: chr2-112740822-G-A. GRCh37 (hg19) VCF-style: chr2-113498399-G-A.
Other names: c.1513C>T, p.Pro505Ser (NM_001304361.2); c.1249-1590G>A (NM_001350494.2); short protein forms P505S, P670S.
Identifiers: ClinVar variation 1381276 (VCV001381276.10), dbSNP rs753333699, ClinGen allele CA1836505.